The following is an entry in ClinVar:

ClinVar aggregate classification (germline): Uncertain significance. Review status: criteria provided, multiple submitters, no conflicts (2 of 4 stars). 2 submissions from 2 submitters: Uncertain significance (2). Last evaluated 2023-08-02.

Conditions:
Inborn genetic diseases. Identifiers: MedGen C0950123, MeSH D030342.

Submissions (2):

Labcorp Genetics (formerly Invitae), Labcorp
Classification: Uncertain significance. Last evaluated: 2023-08-02. Review status: criteria provided, single submitter. Criteria: Invitae Variant Classification Sherloc (09022015). Collection method: clinical testing. Allele origin: germline.
Comment: In summary, the available evidence is currently insufficient to determine the role of this variant in disease. Therefore, it has been classified as a Variant of Uncertain Significance. Advanced modeling of protein sequence and biophysical properties (such as structural, functional, and spatial information, amino acid conservation, physicochemical variation, residue mobility, and thermodynamic stability) performed at Invitae indicates that this missense variant is not expected to disrupt ITGA3 protein function. ClinVar contains an entry for this variant (Variation ID: 2541847). This variant has not been reported in the literature in individuals affected with ITGA3-related conditions. This variant is present in population databases (rs759973429, gnomAD 0.01%). This sequence change replaces arginine, which is basic and polar, with tryptophan, which is neutral and slightly polar, at codon 293 of the ITGA3 protein (p.Arg293Trp).

Ambry Genetics
Classification: Uncertain significance for Inborn genetic diseases. Last evaluated: 2023-04-18. Review status: criteria provided, single submitter. Criteria: Ambry Variant Classification Scheme 2023. Collection method: clinical testing. Allele origin: germline.

NM_002204.4(ITGA3):c.877C>T (p.Arg293Trp)

Gene: ITGA3 (integrin subunit alpha 3; plus strand). Cytogenetic location: 17q21.33.
Variant type: single nucleotide variant.
Coding change: c.877C>T on transcript NM_002204.4 (MANE Select); coding-DNA position 877, C replaced by T.
Protein change: p.Arg293Trp; replaces arginine 293 with tryptophan.
Molecular consequence: missense variant.
Genome position (GRCh38, 1-based): chr17:50,071,436, C>T. VCF-style: chr17-50071436-C-T. GRCh37 (hg19) VCF-style: chr17-48148800-C-T.
Other names: NM_005501.2:c.877C>T; short protein forms R293W.
Identifiers: ClinVar variation 2541847 (VCV002541847.5), dbSNP rs759973429, ClinGen allele CA8641367.
Genomic context (GRCh38, chr17:50,071,436, plus strand): 5'-CCACGGCACCGACATATGGGCGCGGTGTTCTTGCTGAGCCAGGAGGCAGGCGGAGACCTG[C>T]GGAGGAGGCAGGTGCTGGAGGGCTCGCAGGTGGGCGCCTATTTTGGCAGCGCCATTGCCC-3'
Protein context (NP_002195.1, residues 283-303): LLSQEAGGDL[Arg293Trp]RRQVLEGSQV